The following is an entry in ClinVar:

NM_000051.4(ATM):c.8491T>G (p.Phe2831Val)

Genes: ATM (ATM serine/threonine kinase; plus strand), C11orf65 (chromosome 11 open reading frame 65; minus strand). Cytogenetic location: 11q22.3.
Variant type: single nucleotide variant.
Coding change: c.8491T>G on transcript NM_000051.4 (MANE Select); coding-DNA position 8491, T replaced by G.
Protein change: p.Phe2831Val; replaces phenylalanine 2831 with valine.
Molecular consequence: missense variant. On other transcripts: intron variant (2).
Genome position (GRCh38, 1-based): chr11:108,345,815, T>G. VCF-style: chr11-108345815-T-G. GRCh37 (hg19) VCF-style: chr11-108216542-T-G.
Other names: c.8491T>G, p.Phe2831Val (NM_001351834.2); c.641-36744A>C (NM_001330368.2); c.695-10523A>C (NM_001351110.2); short protein forms F2831V.
Identifiers: ClinVar variation 1947617 (VCV001947617.4), dbSNP rs2088282275, ClinGen allele CA382518090.
Genomic context (GRCh38, chr11:108,345,815, plus strand): 5'-AAGTCTTTTGAAGAGAAATATGAAGTCTTCATGGATGTTTGCCAAAATTTTCAACCAGTT[T>G]TCCGTTACTTCTGCATGGAAAAATTCTTGGATCCAGCTATTTGGTTTGAGAAGCGATTGG-3'
Protein context (NP_000042.3, residues 2821-2841): MDVCQNFQPV[Phe2831Val]RYFCMEKFLD

ClinVar aggregate classification (germline): Uncertain significance (1 of 4 stars; one submission).

Conditions:
Ataxia-telangiectasia syndrome (AT). Also called: Ataxia-telangiectasia, complementation group D; AT, COMPLEMENTATION GROUP C; ATAXIA-TELANGIECTASIA, COMPLEMENTATION GROUP A; ATAXIA-TELANGIECTASIA, FRESNO VARIANT; Ataxia-telangiectasia, complementation group E; LOUIS-BAR SYNDROME. Identifiers: Orphanet 100, MedGen C0004135, MONDO:0008840, OMIM 208900.

Submission:

Labcorp Genetics (formerly Invitae), Labcorp
Classification: Uncertain significance for Ataxia-telangiectasia syndrome. Last evaluated: 2022-02-05. Review status: criteria provided, single submitter. Criteria: Invitae Variant Classification Sherloc (09022015). Collection method: clinical testing. Allele origin: germline.
Comment: This variant is not present in population databases (gnomAD no frequency). This variant has not been reported in the literature in individuals affected with ATM-related conditions. Advanced modeling of protein sequence and biophysical properties (such as structural, functional, and spatial information, amino acid conservation, physicochemical variation, residue mobility, and thermodynamic stability) performed at Invitae indicates that this missense variant is expected to disrupt ATM protein function. In summary, the available evidence is currently insufficient to determine the role of this variant in disease. Therefore, it has been classified as a Variant of Uncertain Significance. This sequence change replaces phenylalanine, which is neutral and non-polar, with valine, which is neutral and non-polar, at codon 2831 of the ATM protein (p.Phe2831Val).